The following is an entry in ClinVar:

NM_014467.3(SRPX2):c.466G>C (p.Glu156Gln)

Gene: SRPX2 (sushi repeat containing protein X-linked 2; plus strand). Cytogenetic location: Xq22.1.
Variant type: single nucleotide variant.
Coding change: c.466G>C on transcript NM_014467.3 (MANE Select); coding-DNA position 466, G replaced by C.
Protein change: p.Glu156Gln; replaces glutamic acid 156 with glutamine.
Molecular consequence: missense variant.
Genome position (GRCh38, 1-based): chrX:100,664,884, G>C. VCF-style: chrX-100664884-G-C. GRCh37 (hg19) VCF-style: chrX-99919881-G-C.
Other names: short protein forms E156Q.
Identifiers: ClinVar variation 3367107 (VCV003367107.1).

ClinVar aggregate classification (germline): Uncertain significance (1 of 4 stars; one submission).

Conditions:
Rolandic epilepsy, impaired intellectual development, and speech dyspraxia, X-linked. Also called: Rolandic epilepsy, impaired intellectual development, and speech dyspraxia; Rolandic epilepsy, intellectual disability, and speech dyspraxia, X-linked. Identifiers: MedGen C1845070, MONDO:0010388, OMIM 300643.

gnomAD v4.1: 1 of 1,211,045 alleles (0.000083%); highest among the groups gnomAD compares: South Asian, 0.0018%; no homozygotes.

Submission:

Neuberg Centre For Genomic Medicine, NCGM
Classification: Uncertain significance for Rolandic epilepsy, impaired intellectual development, and speech dyspraxia, X-linked. Last evaluated: 2023-05-20. Review status: criteria provided, single submitter. Criteria: ACMG Guidelines, 2015. Collection method: clinical testing. Allele origin: germline. Inheritance: X-linked inheritance. Affected: yes.
Comment: The observed missense c.466G>C(p.Glu156Gln) variant in SRPX2 gene has not been reported previously as a pathogenic variant nor as a benign variant, to our knowledge. The p.Glu156Gln variant is absent in gnomAD Exomes database. This variant has not been submitted to the ClinVar database. Multiple lines of computational evidence (Polyphen - probably damaging , SIFT - damaging and MutationTaster - disease causing) predict a damaging effect on protein structure and function for this variant. The reference amino acid is predicted as conserved by GERP++ and PhyloP across 100 vertebrates. The amino acid Glu at position 156 is changed to a Gln changing protein sequence and it might alter its composition and physico-chemical properties. For these reasons, this variant has been classified as Uncertain Significance (VUS).